The following is an entry in ClinVar:

ClinVar aggregate classification (germline): Uncertain significance. Review status: criteria provided, multiple submitters, no conflicts (2 of 4 stars). 2 submissions from 2 submitters: Uncertain significance (2). Last evaluated 2024-04-17.

Conditions:
Charcot-Marie-Tooth disease type 2. Also called: Charcot-Marie-Tooth type 2. Identifiers: Orphanet 64746, MedGen C0270914, MONDO:0018993.

Allele frequency attached by ClinVar (database versions not stated): TOPMed below 0.00001; gnomAD 0.00001.
gnomAD v4.1: 1 of 1,614,004 alleles (0.000062%); highest among the groups gnomAD compares: Non-Finnish European, 0.000085%; no homozygotes.

Submissions (2):

Ambry Genetics
Classification: Uncertain significance. Last evaluated: 2024-04-17. Review status: criteria provided, single submitter. Criteria: Ambry Variant Classification Scheme 2023. Collection method: clinical testing. Allele origin: germline.
Comment: The p.E815K variant (also known as c.2443G>A), located in coding exon 23 of the KIF1B gene, results from a G to A substitution at nucleotide position 2443. The glutamic acid at codon 815 is replaced by lysine, an amino acid with similar properties. This amino acid position is highly conserved in available vertebrate species. In addition, the in silico prediction for this alteration is inconclusive. The evidence for this gene-disease relationship is limited; therefore, the clinical significance of this alteration is unclear.

Labcorp Genetics (formerly Invitae), Labcorp
Classification: Uncertain significance for Charcot-Marie-Tooth disease type 2. Last evaluated: 2023-12-31. Review status: criteria provided, single submitter. Criteria: Invitae Variant Classification Sherloc (09022015). Collection method: clinical testing. Allele origin: germline.
Comment: This sequence change replaces glutamic acid, which is acidic and polar, with lysine, which is basic and polar, at codon 815 of the KIF1B protein (p.Glu815Lys). This variant is present in population databases (no rsID available, gnomAD 0.007%). This variant has not been reported in the literature in individuals affected with KIF1B-related conditions. Advanced modeling of protein sequence and biophysical properties (such as structural, functional, and spatial information, amino acid conservation, physicochemical variation, residue mobility, and thermodynamic stability) performed at Invitae indicates that this missense variant is not expected to disrupt KIF1B protein function with a negative predictive value of 80%. In summary, the available evidence is currently insufficient to determine the role of this variant in disease. Therefore, it has been classified as a Variant of Uncertain Significance.

NM_001365951.3(KIF1B):c.2581G>A (p.Glu861Lys)

Gene: KIF1B (kinesin family member 1B; plus strand). Cytogenetic location: 1p36.22.
Variant type: single nucleotide variant.
Coding change: c.2581G>A on transcript NM_001365951.3 (MANE Select); coding-DNA position 2581, G replaced by A.
Protein change: p.Glu861Lys; replaces glutamic acid 861 with lysine.
Molecular consequence: missense variant.
Genome position (GRCh38, 1-based): chr1:10,324,801, G>A. VCF-style: chr1-10324801-G-A. GRCh37 (hg19) VCF-style: chr1-10384859-G-A.
Other names: c.2581G>A, p.Glu861Lys (NM_001365952.1); c.2443G>A, p.Glu815Lys (NM_015074.3); short protein forms E861K, E815K.
Identifiers: ClinVar variation 2707836 (VCV002707836.4), dbSNP rs1299661409, ClinGen allele CA338335547.
Genomic context (GRCh38, chr1:10,324,801, plus strand): 5'-TTGTGTTTACTAAATAGGCAGAGGCTGGATTTGATGCGAGAGATGTATGATAGGGCAGGG[G>A]AGATGGCCTCCAGTGCCCAAGACGAAAGCGAAACCACTGTGACTGGCAGCGATCCCTTCT-3'
Protein context (NP_001352880.1, residues 851-871): LMREMYDRAG[Glu861Lys]MASSAQDESE